The following is an entry in ClinVar:

NM_001323518.2(RBP4):c.48G>A (p.Thr16=)

Gene: RBP4 (retinol binding protein 4; minus strand). Cytogenetic location: 10q23.33.
Variant type: single nucleotide variant.
Coding change: c.48G>A on transcript NM_001323518.2; coding-DNA position 48, G replaced by A.
Protein change: p.Thr16=; no amino-acid change (threonine 16 retained).
Molecular consequence: synonymous variant.
Genome position (GRCh38, 1-based): chr10:93,601,669, C>T on the plus strand (G>A on the coding strand, the complement: RBP4 is on the minus strand). VCF-style: chr10-93601669-C-T. GRCh37 (hg19) VCF-style: chr10-95361426-C-T.
Identifiers: ClinVar variation 4908843 (VCV004908843.2).
Genomic context (GRCh38, chr10:93,601,669, plus strand): 5'-ACCCGCGAGGCTCCCTGGTGCGTGAGTGCCCAGGCCCTGGCCATGCCAAATTGGCGCCTC[C>T]GTCTGCCTTCTGAGGTCCACTTGTGCAGGAATTTTGGAATAATTCATCCAAGTAGTTTTT-3'

ClinVar aggregate classification (germline): Likely benign. Review status: criteria provided, multiple submitters, no conflicts (2 of 4 stars). 2 submissions from 2 submitters: Likely benign (2). Last evaluated 2026-03-30.

Conditions:
RBP4-related disorder. Also called: RBP4-related condition.

gnomAD v4.1: 351 of 778,762 alleles (0.045%); highest among the groups gnomAD compares: South Asian, 0.46%; 1 homozygote.

Submissions (2):

PreventionGenetics, part of Exact Sciences
Classification: Likely benign for RBP4-related condition. Last evaluated: 2026-03-30. Review status: criteria provided, single submitter. Criteria: ACMG Guidelines, 2015. Collection method: clinical testing. Allele origin: germline.
Comment: This variant is classified as likely benign based on ACMG/AMP sequence variant interpretation guidelines (Richards et al. 2015 PMID: 25741868, with internal and published modifications).

Blueprint Genetics
Classification: Likely benign. Last evaluated: 2024-11-27. Review status: criteria provided, single submitter. Criteria: ACMG Guidelines, 2015. Collection method: clinical testing. Allele origin: germline.